The following is an entry in ClinVar:

NM_007348.4(ATF6):c.435G>A (p.Ala145=)

Gene: ATF6 (activating transcription factor 6; plus strand). Cytogenetic location: 1q23.3.
Variant type: single nucleotide variant.
Coding change: c.435G>A on transcript NM_007348.4 (MANE Select); coding-DNA position 435, G replaced by A.
Protein change: p.Ala145=; no amino-acid change (alanine 145 retained).
Molecular consequence: synonymous variant.
Genome position (GRCh38, 1-based): chr1:161,791,488, G>A. VCF-style: chr1-161791488-G-A. GRCh37 (hg19) VCF-style: chr1-161761278-G-A.
Identifiers: ClinVar variation 970223 (VCV000970223.7), dbSNP rs570613028, ClinGen allele CA1214206.
Genomic context (GRCh38, chr1:161,791,488, plus strand): 5'-TAGTTCTCAGATGTCTCCCCTTTCCTTATATGGTGAAAACTCTAATAGTCTCTCTTCAGC[G>A]GAGCCACTGAAGGAAGATAAGCCTGTCACTGGTCCTAGGAACAAGACTGGTATTACTCTA-3'
Protein context (NP_031374.2, residues 135-155): YGENSNSLSS[Ala145=]EPLKEDKPVT

ClinVar aggregate classification (germline): Uncertain significance (1 of 4 stars; one submission).

Allele frequency attached by ClinVar (database versions not stated): gnomAD exomes 0.00001 and 0.00003; ExAC 0.00002; TOPMed 0.00002; gnomAD 0.00007; 1000 Genomes Project 30x 0.00016; 1000 Genomes Project 0.00020.
gnomAD v4.1: 27 of 1,612,488 alleles (0.0017%); highest among the groups gnomAD compares: African/African-American, 0.017%; no homozygotes.

Submission:

Labcorp Genetics (formerly Invitae), Labcorp
Classification: Uncertain significance. Last evaluated: 2022-02-24. Review status: criteria provided, single submitter. Criteria: Invitae Variant Classification Sherloc (09022015). Collection method: clinical testing. Allele origin: germline.
Comment: In summary, the available evidence is currently insufficient to determine the role of this variant in disease. Therefore, it has been classified as a Variant of Uncertain Significance. Algorithms developed to predict the effect of sequence changes on RNA splicing suggest that this variant may disrupt the consensus splice site. ClinVar contains an entry for this variant (Variation ID: 970223). This variant has not been reported in the literature in individuals affected with ATF6-related conditions. This variant is present in population databases (rs570613028, gnomAD 0.02%). This sequence change affects codon 145 of the ATF6 mRNA. It is a 'silent' change, meaning that it does not change the encoded amino acid sequence of the ATF6 protein.